The following is an entry in ClinVar:

NM_000094.4(COL7A1):c.6841G>C (p.Gly2281Arg)

Gene: COL7A1 (collagen type VII alpha 1 chain; minus strand). Cytogenetic location: 3p21.31.
Variant type: single nucleotide variant.
Coding change: c.6841G>C on transcript NM_000094.4 (MANE Select); coding-DNA position 6841, G replaced by C.
Protein change: p.Gly2281Arg; replaces glycine 2281 with arginine.
Molecular consequence: missense variant.
Genome position (GRCh38, 1-based): chr3:48,572,730, C>G on the plus strand (G>C on the coding strand, the complement: COL7A1 is on the minus strand). VCF-style: chr3-48572730-C-G. GRCh37 (hg19) VCF-style: chr3-48610163-C-G.
Other names: short protein forms G2281R.
Identifiers: ClinVar variation 3376915 (VCV003376915.1).

ClinVar aggregate classification (germline): Pathogenic (1 of 4 stars; one submission).

Conditions:
Generalized dominant dystrophic epidermolysis bullosa (DDEB). Also called: DDEB, generalized; DDEB-gen; DYSTROPHIC EPIDERMOLYSIS BULLOSA, AUTOSOMAL DOMINANT; Epidermolysis bullosa dystrophica, autosomal dominant; Dominant DEB (DDEB). Identifiers: Orphanet 231568, MedGen C0432322, MONDO:0007549, OMIM 131750.

Submission:

Victorian Clinical Genetics Services, Murdoch Childrens Research Institute
Classification: Pathogenic for Generalized dominant dystrophic epidermolysis bullosa. Last evaluated: 2023-07-16. Review status: criteria provided, single submitter. Criteria: ACMG Guidelines, 2015. Collection method: clinical testing. Allele origin: germline. Inheritance: Autosomal dominant inheritance. Affected: yes.
Comment: Based on the classification scheme VCGS_Germline_v1.3.4, this variant is classified as Pathogenic. Following criteria are met: 0103 - Dominant negative and loss of function are known mechanisms of disease in this gene and are associated with dystrophic epidermolysis bullosa (DEB) (OMIM, PMID: 31670143). (I) 0108 - This gene is associated with both recessive and dominant disease. The spectrum of DEB associated with this gene can be either dominant or recessive. Dominant inheritance (DDEB; MIM#131750) is typically associated with milder phenotypes, whereas recessive inheritance (RDEB; MIM#226600) is usually observed in more severe cases (OMIM). (I) 0115 - Variants in this gene are known to have variable expressivity. Severity ranges from involving only nails to generalized and severe blistering and scarring (PMID: 31670143). (I) 0200 - Variant is predicted to result in a missense amino acid change from glycine to arginine. (I) 0251 - This variant is heterozygous. (I) 0301 - Variant is absent from gnomAD (both v2 and v3). (SP) 0501 - Missense variant consistently predicted to be damaging by multiple in silico tools or highly conserved with a major amino acid change. (SP) 0601 - Variant is located in the well-established functional Gly-X-Y motif within the repeat domain, and affects a glycine residue (DECIPHER). (SP) 0703 - Other missense variants comparable to the one identified in this case have moderate previous evidence for pathogenicity. p.(Gly2281Ala) has been classified as pathogenic by a clinical laboratory in ClinVar, p.(Gly2281Ser) has been classified as likely pathogenic in LOVD, and p.(G2281Val) has been identified as heterozygous in an individual with dystrophic epidermolysis bullosa pruriginosa (PMID: 25222259). (SP) 0807 - This variant has no previous evidence of pathogenicity. (I) 0905 - No published segregation evidence has been identified for this variant. (I) 1007 - No published functional evidence has been identified for this variant. (I) 1101 - Very strong and specific phenotype match for this individual. (SP) 1208 - Inheritance information for this variant is not currently available in this individual. (I) Legend: (SP) - Supporting pathogenic, (I) - Information, (SB) - Supporting benign

Literature cited by the submitters: PubMed 25222259; PubMed 31670143.